The following is an entry in ClinVar:

NC_000004.11:g.(?_151604683)_(151604889_?)dup

Gene: LRBA (LPS responsive beige-like anchor protein; minus strand). Cytogenetic location: 4q31.3.
Variant type: Duplication.
Identifiers: ClinVar variation 2425636 (VCV002425636.4).

ClinVar aggregate classification (germline): Likely pathogenic (1 of 4 stars; one submission).

Conditions:
Combined immunodeficiency due to LRBA deficiency. Also called: Common variable immunodeficiency 8, with autoimmunity. Identifiers: Orphanet 445018, MedGen C3553512, MONDO:0013863, OMIM 614700.

Submission:

Labcorp Genetics (formerly Invitae), Labcorp
Classification: Likely pathogenic for Combined immunodeficiency due to LRBA deficiency. Last evaluated: 2022-04-23. Review status: criteria provided, single submitter. Criteria: Invitae Variant Classification Sherloc (09022015). Collection method: clinical testing. Allele origin: germline.
Comment: In summary, the currently available evidence indicates that the variant is pathogenic, but additional data are needed to prove that conclusively. Therefore, this variant has been classified as Likely Pathogenic. This variant has not been reported in the literature in individuals affected with LRBA-related conditions. This variant results in a copy number gain of the genomic region encompassing exon(s) 37 of the LRBA gene. While the exact position of this variant cannot be determined from the data, sub-genic copy number gains are generally in tandem (PMID: 25640679). This variant is predicted to be out-of-frame, and may result in an absent or disrupted protein product. Loss-of-function variants in LRBA are known to be pathogenic (PMID: 26206937, 26768763).

Literature cited by the submitters: PubMed 25640679; PubMed 26206937; PubMed 26768763.